The following is an entry in ClinVar:

ClinVar aggregate classification (germline): Likely pathogenic (1 of 4 stars; one submission).

Conditions:
Dilated cardiomyopathy 1G (CMD1G). Identifiers: Orphanet 154, MedGen C1858763, MONDO:0011400, OMIM 604145.
Autosomal recessive limb-girdle muscular dystrophy type 2J (LGMDR10). Also called: Limb-girdle muscular dystrophy, type 2J; MUSCULAR DYSTROPHY, LIMB-GIRDLE, AUTOSOMAL RECESSIVE 10. Identifiers: Orphanet 140922, MedGen C1837342, MONDO:0012127, OMIM 608807.

Submission:

Labcorp Genetics (formerly Invitae), Labcorp
Classification: Likely pathogenic for Dilated cardiomyopathy 1G; Autosomal recessive limb-girdle muscular dystrophy type 2J. Last evaluated: 2024-10-17. Review status: criteria provided, single submitter. Criteria: Invitae Variant Classification Sherloc (09022015). Collection method: clinical testing. Allele origin: germline.
Comment: This sequence change creates a premature translational stop signal (p.Glu3771Serfs*24) in the TTN gene. While this is not anticipated to result in nonsense mediated decay, it is expected to create a truncated TTN protein. This variant is not present in population databases (gnomAD no frequency). This variant has not been observed in the literature in individuals with autosomal recessive TTN-related conditions. This variant has been reported in individual(s) with autosomal dominant dilated cardiomyopathy (internal data); however, the role of the variant in this condition is currently unclear. ClinVar contains an entry for this variant (Variation ID: 939857). This variant is located in the I band of TTN (PMID: 25589632). Truncating variants in this region have been reported in individuals affected with autosomal recessive centronuclear myopathy (PMID: 23975875, internal data). Truncating variants in this region have also been identified in individuals affected with autosomal dominant dilated cardiomyopathy and/or cardio-related conditions (PMID: 27869827, 32964742, internal data). In summary, the currently available evidence indicates that the variant is pathogenic, but additional data are needed to prove that conclusively. Therefore, this variant has been classified as Likely Pathogenic.

Literature cited by the submitters: PubMed 25589632; PubMed 23975875; PubMed 27869827; PubMed 32964742.

NM_001267550.2(TTN):c.11310del (p.Glu3771fs)

Gene: TTN (titin; minus strand). Cytogenetic location: 2q31.2.
Variant type: Deletion.
Coding change: c.11310del on transcript NM_001267550.2 (MANE Select); coding-DNA position 11310, one base deleted (A; older notation c.11310delA).
Protein change: p.Glu3771fs; shifts the reading frame from glutamic acid 3771.
Molecular consequence: frameshift variant.
Genome position (GRCh38, 1-based): chr2:178,753,125, T deleted on the plus strand (A on the coding strand, the reverse complement: TTN is on the minus strand); the first of 3 consecutive T bases (chr2:178,753,125-178,753,127); deleting any one gives the same sequence. VCF-style (leftmost placement, unchanged base first): chr2-178753124-CT-C. GRCh37 (hg19) VCF-style: chr2-179617851-CT-C.
Other names: c.10359del, p.Glu3454fs (NM_001256850.1, NM_133379.5); c.10221del, p.Glu3408fs (NM_003319.4); c.10359del, p.Ala3454fs (NM_133378.4); c.10596del, p.Glu3533fs (NM_133432.3); c.10797del, p.Glu3600fs (NM_133437.4); short protein forms E3454fs, E3533fs, E3771fs, A3454fs, E3408fs, E3600fs.
Identifiers: ClinVar variation 939857 (VCV000939857.10), dbSNP rs2086020099, ClinGen allele CA1139657500.